The following is an entry in ClinVar:

NM_021008.4(DEAF1):c.1593+19_1593+20delinsTA

Gene: DEAF1 (DEAF1 transcription factor; minus strand). Cytogenetic location: 11p15.5.
Variant type: Indel.
Coding change: c.1593+19_1593+20delinsTA on transcript NM_021008.4 (MANE Select); bases 19 to 20 of the intron after coding-DNA position 1593, AG replaced by TA.
Molecular consequence: intron variant.
Genome position (GRCh38, 1-based): chr11:653,942-653,943, CT replaced by TA on the plus strand (AG replaced by TA on the coding strand, the reverse complement: DEAF1 is on the minus strand). VCF-style: chr11-653942-CT-TA. GRCh37 (hg19) VCF-style: chr11-653942-CT-TA.
Other names: c.867+19_867+20delinsTA (NM_001367390.1, NM_001440885.1, NM_001440887.1 and 1 more transcripts); c.1368+19_1368+20delinsTA (NM_001293634.2); c.1464+19_1464+20delinsTA (NM_001440884.1); c.1504-9289_1504-9288delinsTA (NM_001440883.1).
Identifiers: ClinVar variation 2063521 (VCV002063521.4), dbSNP rs2494257828, ClinGen allele CA2580083864.

ClinVar aggregate classification (germline): Uncertain significance (1 of 4 stars; one submission).

Submission:

Labcorp Genetics (formerly Invitae), Labcorp
Classification: Uncertain significance. Last evaluated: 2021-12-28. Review status: criteria provided, single submitter. Criteria: Invitae Variant Classification Sherloc (09022015). Collection method: clinical testing. Allele origin: germline.
Comment: In summary, the available evidence is currently insufficient to determine the role of this variant in disease. Therefore, it has been classified as a Variant of Uncertain Significance. Algorithms developed to predict the effect of sequence changes on RNA splicing suggest that this variant may create or strengthen a splice site. This variant has not been reported in the literature in individuals affected with DEAF1-related conditions. Information on the frequency of this variant in the gnomAD database is not available, as this variant may be reported differently in the database. This sequence change falls in intron 11 of the DEAF1 gene. It does not directly change the encoded amino acid sequence of the DEAF1 protein.